The following is an entry in ClinVar:

ClinVar aggregate classification (germline): Uncertain significance (1 of 4 stars; one submission).

Conditions:
Retinitis pigmentosa 37 (RP37). Identifiers: Orphanet 791, MedGen C1970163, MONDO:0012625, OMIM 611131.
Enhanced S-cone syndrome (ESCS). Identifiers: Orphanet 53540, MedGen C1849394, MONDO:0100288, MONDO:0009989.

Submission:

Juno Genomics, Hangzhou Juno Genomics, Inc
Classification: Uncertain significance for ENHANCED S-CONE SYNDROME 1; Retinitis pigmentosa 37. Review status: criteria provided, single submitter. Criteria: ACMG Guidelines, 2015. Collection method: clinical testing. Allele origin: germline. Affected: yes.
Comment: Absent from controls (or at extremely low frequency if recessive) in Genome Aggregation Database, Exome Sequencing Project, 1000 Genomes Project, or Exome Aggregation Consortium.;Patient's phenotype or family history is highly specific for a disease with a single genetic etiology.

NM_014249.4(NR2E3):c.461G>C (p.Gly154Ala)

Gene: NR2E3 (nuclear receptor subfamily 2 group E member 3; plus strand). Cytogenetic location: 15q23.
Variant type: single nucleotide variant.
Coding change: c.461G>C on transcript NM_014249.4 (MANE Select); coding-DNA position 461, G replaced by C.
Protein change: p.Gly154Ala; replaces glycine 154 with alanine.
Molecular consequence: missense variant.
Genome position (GRCh38, 1-based): chr15:71,812,066, G>C. VCF-style: chr15-71812066-G-C. GRCh37 (hg19) VCF-style: chr15-72104406-G-C.
Other names: c.461G>C, p.Gly154Ala (NM_016346.4); short protein forms G154A.
Identifiers: ClinVar variation 3383005 (VCV003383005.2).